The following is an entry in ClinVar:

NM_003873.7(NRP1):c.1938T>C (p.Tyr646=)

Gene: NRP1 (neuropilin 1; minus strand). Cytogenetic location: 10p11.22.
Variant type: single nucleotide variant.
Coding change: c.1938T>C on transcript NM_003873.7 (MANE Select); coding-DNA position 1938, T replaced by C.
Protein change: p.Tyr646=; no amino-acid change (tyrosine 646 retained).
Molecular consequence: synonymous variant. On other transcripts: non-coding transcript variant (1).
Genome position (GRCh38, 1-based): chr10:33,192,405, A>G on the plus strand (T>C on the coding strand, the complement: NRP1 is on the minus strand). VCF-style: chr10-33192405-A-G. GRCh37 (hg19) VCF-style: chr10-33481333-A-G.
Other names: c.1917T>C, p.Tyr639= (NM_001244972.2, NM_001244973.2); c.1938T>C, p.Tyr646= (NM_001330068.2).
Identifiers: ClinVar variation 3029186 (VCV003029186.2), dbSNP rs545737292, ClinGen allele CA5466294.

ClinVar aggregate classification (germline): Likely benign (0 of 4 stars; one submission).

Conditions:
NRP1-related disorder. Also called: NRP1-related condition.

Allele frequency attached by ClinVar (database versions not stated): gnomAD exomes 0.00001; ExAC 0.00002; TOPMed 0.00002; gnomAD 0.00004; 1000 Genomes Project 30x 0.00016; 1000 Genomes Project 0.00020.
gnomAD v4.1: 11 of 1,613,760 alleles (0.00068%); highest among the groups gnomAD compares: East Asian, 0.0089%; no homozygotes.

Submission:

PreventionGenetics, part of Exact Sciences
Classification: Likely benign for NRP1-related condition. Last evaluated: 2022-10-18. Review status: no assertion criteria provided. Collection method: clinical testing. Allele origin: germline.
Comment: This variant is classified as likely benign based on ACMG/AMP sequence variant interpretation guidelines (Richards et al. 2015 PMID: 25741868, with internal and published modifications).